The following is an entry in ClinVar:

NM_018896.5(CACNA1G):c.27C>G (p.Gly9=)

Genes: CACNA1G (calcium voltage-gated channel subunit alpha1 G; plus strand), CACNA1G-AS1 (CACNA1G antisense RNA 1; minus strand). Cytogenetic location: 17q21.33.
Variant type: single nucleotide variant.
Coding change: c.27C>G on transcript NM_018896.5 (MANE Select); coding-DNA position 27, C replaced by G.
Protein change: p.Gly9=; no amino-acid change (glycine 9 retained).
Molecular consequence: synonymous variant. On other transcripts: non-coding transcript variant (5).
Genome position (GRCh38, 1-based): chr17:50,561,486, C>G. VCF-style: chr17-50561486-C-G. GRCh37 (hg19) VCF-style: chr17-48638847-C-G.
Other names: c.27C>G, p.Gly9= (NM_001256324.2, NM_001256325.2, NM_001256326.2 and 24 more transcripts).
Identifiers: ClinVar variation 3365562 (VCV003365562.3).
Genomic context (GRCh38, chr17:50,561,486, plus strand): 5'-CTCCGGATCGCCCGGGGCCCCGGCTGGCCAGAGGATGGACGAGGAGGAGGATGGAGCGGG[C>G]GCCGAGGAGTCGGGACAGCCCCGGAGCTTCATGCGGCTCAACGACCTGTCGGGGGCCGGG-3'
Protein context (NP_061496.2, residues 1-19): MDEEEDGA[Gly9=]AEESGQPRSF

ClinVar aggregate classification (germline): Conflicting classifications of pathogenicity. Review status: criteria provided, conflicting classifications (1 of 4 stars). 2 submissions from 2 submitters: Uncertain significance (1); Likely benign (1). Last evaluated 2024-06-20.

gnomAD v4.1: 1 of 1,534,964 alleles (0.000065%); highest among the groups gnomAD compares: Admixed American, 0.002%; no homozygotes.

Submissions (2):

Labcorp Genetics (formerly Invitae), Labcorp
Classification: Likely benign. Last evaluated: 2024-06-20. Review status: criteria provided, single submitter. Criteria: Invitae Variant Classification Sherloc (09022015). Collection method: clinical testing. Allele origin: germline.

GeneDx
Classification: Uncertain significance. Last evaluated: 2023-12-15. Review status: criteria provided, single submitter. Criteria: GeneDx Variant Classification Process June 2021. Collection method: clinical testing. Allele origin: germline. Affected: yes.
Comment: Not observed at significant frequency in large population cohorts (gnomAD); In silico analysis supports that this variant does not alter splicing; Has not been previously published as pathogenic or benign to our knowledge